The following is an entry in ClinVar:

NM_000501.4(ELN):c.1469G>C (p.Gly490Ala)

Genes: ELN (elastin; plus strand), ELN-AS1 (ELN antisense RNA 1; minus strand). Cytogenetic location: 7q11.23.
Variant type: single nucleotide variant.
Coding change: c.1469G>C on transcript NM_000501.4 (MANE Select); coding-DNA position 1469, G replaced by C.
Protein change: p.Gly490Ala; replaces glycine 490 with alanine.
Molecular consequence: missense variant.
Genome position (GRCh38, 1-based): chr7:74,059,940, G>C. VCF-style: chr7-74059940-G-C. GRCh37 (hg19) VCF-style: chr7-73474270-G-C.
Other names: c.1382G>C, p.Gly461Ala (NM_001081752.3); c.1427G>C, p.Gly476Ala (NM_001081753.3); c.1484G>C, p.Gly495Ala (NM_001081754.3); c.1412G>C, p.Gly471Ala (NM_001081755.3); c.1469G>C, p.Gly490Ala (NM_001278912.2); c.1226G>C, p.Gly409Ala (NM_001278913.2); c.1397G>C, p.Gly466Ala (NM_001278914.2); c.1487G>C, p.Gly496Ala (NM_001278915.2); and 5 more; short protein forms G401A, G409A, G457A, G461A, G466A, G471A, G476A, G480A.
Identifiers: ClinVar variation 1001627 (VCV001001627.9), dbSNP rs1554682884, ClinGen allele CA367884915.

ClinVar aggregate classification (germline): Uncertain significance. Review status: criteria provided, multiple submitters, no conflicts (2 of 4 stars). 2 submissions from 2 submitters: Uncertain significance (2). Last evaluated 2026-08-05.

Conditions:
Supravalvar aortic stenosis (SVAS). Also called: Supravalvar aortic stenosis, Eisenberg type. Identifiers: Orphanet 3193, MedGen C0003499, MONDO:0008504, OMIM 185500, HP:0004381.
Inborn genetic diseases. Identifiers: MedGen C0950123, MeSH D030342.

Allele frequency attached by ClinVar (database versions not stated): gnomAD exomes below 0.00001.
gnomAD v4.1: 4 of 1,604,534 alleles (0.00025%); highest among the groups gnomAD compares: Non-Finnish European, 0.00034%; no homozygotes.

Submissions (2):

Ambry Genetics
Classification: Uncertain significance for Inborn genetic diseases. Last evaluated: 2026-08-05. Review status: criteria provided, single submitter. Criteria: Ambry Variant Classification Scheme 2023. Collection method: clinical testing. Allele origin: germline.

Labcorp Genetics (formerly Invitae), Labcorp
Classification: Uncertain significance for Supravalvar aortic stenosis. Last evaluated: 2022-07-11. Review status: criteria provided, single submitter. Criteria: Invitae Variant Classification Sherloc (09022015). Collection method: clinical testing. Allele origin: germline.
Comment: In summary, the available evidence is currently insufficient to determine the role of this variant in disease. Therefore, it has been classified as a Variant of Uncertain Significance. Algorithms developed to predict the effect of missense changes on protein structure and function are either unavailable or do not agree on the potential impact of this missense change (SIFT: "Deleterious"; PolyPhen-2: "Not Available"; Align-GVGD: "Class C0"). ClinVar contains an entry for this variant (Variation ID: 1001627). This variant has not been reported in the literature in individuals affected with ELN-related conditions. This variant is present in population databases (no rsID available, gnomAD 0.0009%). This sequence change replaces glycine, which is neutral and non-polar, with alanine, which is neutral and non-polar, at codon 519 of the ELN protein (p.Gly519Ala).